The following is an entry in ClinVar:

ClinVar aggregate classification (germline): Pathogenic. Review status: criteria provided, multiple submitters, no conflicts (2 of 4 stars). 8 submissions from 8 submitters: Pathogenic (5). 3 of the submissions do not count toward it. Last evaluated 2025-05-27.

Conditions:
ALDOB-related disorder. Also called: ALDOB-related condition.
Hereditary fructosuria. Also called: Hereditary fructose intolerance; ALDOB DEFICIENCY; ALDOLASE B DEFICIENCY; FRUCTOSE-1,6-BISPHOSPHATE ALDOLASE B DEFICIENCY; FRUCTOSE-1-PHOSPHATE ALDOLASE DEFICIENCY; FRUCTOSEMIA. Identifiers: Orphanet 469, MedGen C0016751, MONDO:0009249, OMIM 229600, HP:0005973. Disease mechanism: loss of function.

Allele frequency attached by ClinVar (database versions not stated): TOPMed below 0.00001; ExAC 0.00001; gnomAD exomes 0.00001 and below 0.00001.
gnomAD v4.1: 18 of 1,613,250 alleles (0.0011%); highest among the groups gnomAD compares: East Asian, 0.013%; no homozygotes.

Submissions (8):

Natera, Inc.
Classification: Pathogenic for Fructose intolerance. Last evaluated: 2025-05-27. Review status: criteria provided, single submitter. Criteria: Natera Variant Classification Schema (03/2026). Collection method: clinical testing. Allele origin: germline.
Comment: The c.10C>T variant in ALDOB is a nonsense variant predicted to introduce a stop codon at amino acid 4. This variant is expected to result in nonsense mediated decay, truncation, or a dysfunctional protein product. This variant is rare in the general population with a frequency below the threshold expected for the associated phenotype(s). This variant has been observed in one or more individuals affected with the associated recessive disease, as either homozygous or compound heterozygous with a second variant (PMID: 8071980). Additionally, this variant has been observed to segregate in affected family members (PMID: 8071980). Given the available evidence, this variant is classified as Pathogenic.

Fulgent Genetics
Classification: Pathogenic for Hereditary fructosuria. Last evaluated: 2024-06-11. Review status: criteria provided, single submitter. Criteria: ACMG Guidelines, 2015. Collection method: clinical testing. Allele origin: germline.

Labcorp Genetics (formerly Invitae), Labcorp
Classification: Pathogenic for Hereditary fructosuria. Last evaluated: 2023-11-15. Review status: criteria provided, single submitter. Criteria: Invitae Variant Classification Sherloc (09022015). Collection method: clinical testing. Allele origin: germline.
Comment: This sequence change creates a premature translational stop signal (p.Arg4*) in the ALDOB gene. It is expected to result in an absent or disrupted protein product. Loss-of-function variants in ALDOB are known to be pathogenic (PMID: 18541450). This variant is present in population databases (rs118204428, gnomAD 0.003%). This premature translational stop signal has been observed in individual(s) with hereditary fructose intolerance (PMID: 8071980). It has also been observed to segregate with disease in related individuals. This variant is also known as R3op. ClinVar contains an entry for this variant (Variation ID: 471). For these reasons, this variant has been classified as Pathogenic.

Blueprint Genetics
Classification: Pathogenic for ALDOB-related disorders. Last evaluated: 2023-02-24. Review status: criteria provided, single submitter. Criteria: ACMG Guidelines, 2015. Collection method: clinical testing. Allele origin: germline. Affected: yes. Observed: 1 variant allele.

Women's Health and Genetics/Laboratory Corporation of America, LabCorp
Classification: Pathogenic for Hereditary fructosuria. Last evaluated: 2020-11-27. Review status: criteria provided, single submitter. Criteria: LabCorp Variant Classification Summary - May 2015. Collection method: clinical testing. Allele origin: germline.
Comment: Variant summary: ALDOB c.10C>T (p.Arg4X) results in a premature termination codon, predicted to cause a truncation of the encoded protein or absence of the protein due to nonsense mediated decay, which are commonly known mechanisms for disease. Truncations downstream of this position have been classified as pathogenic by our laboratory. The variant allele was found at a frequency of 4e-06 in 251348 control chromosomes (gnomAD). c.10C>T (also known as R3op in the literature) has been observed to segregate with Hereditary Fructose Intolerance in 4 homozygous affected siblings from a large consanguineous family with a reported history of sugar intolerance in several family members (Ali_1994). These data indicate that the variant is very likely to be associated with disease. To our knowledge, no experimental evidence demonstrating an impact on protein function has been reported. A ClinVar submitter (evaluation after 2014) cites the variant as pathogenic. Based on the evidence outlined above, the variant was classified as pathogenic.

ATS em Genética Clínica, Universidade Federal do Rio Grande do Sul
Classification: Likely pathogenic for Hereditary fructosuria. Last evaluated: 2021-03-18. Review status: no assertion criteria provided. Collection method: literature only. Allele origin: unknown. Affected: yes. Not counted in ClinVar's aggregate classification.

Counsyl
Classification: Likely pathogenic for Hereditary fructosuria. Last evaluated: 2014-11-13. Review status: no assertion criteria provided. Collection method: literature only. Allele origin: unknown. Inheritance: Autosomal recessive inheritance. Not counted in ClinVar's aggregate classification.

OMIM
Classification: Pathogenic for FRUCTOSE INTOLERANCE, HEREDITARY. Last evaluated: 1994-06-01. Review status: no assertion criteria provided. Collection method: literature only. Allele origin: germline. Not counted in ClinVar's aggregate classification.

Literature cited by the submitters: PubMed 8071980 (cited by 6 submitters); PubMed 18541450 (cited by Labcorp Genetics (formerly Invitae), Labcorp); PubMed 11757579 (cited by Counsyl); PubMed 10024431 (cited by Counsyl); PubMed 20033295 (cited by Counsyl); PubMed 8535439 (cited by Counsyl); PubMed 9610797 (cited by Counsyl); PubMed 20848650 (cited by Counsyl).

NM_000035.4(ALDOB):c.10C>T (p.Arg4Ter)

Gene: ALDOB (aldolase, fructose-bisphosphate B; minus strand). Cytogenetic location: 9q31.1.
Variant type: single nucleotide variant.
Coding change: c.10C>T on transcript NM_000035.4 (MANE Select); coding-DNA position 10, C replaced by T.
Protein change: p.Arg4Ter; replaces arginine 4 with a stop codon.
Molecular consequence: nonsense.
Genome position (GRCh38, 1-based): chr9:101,430,878, G>A on the plus strand (C>T on the coding strand, the complement: ALDOB is on the minus strand). VCF-style: chr9-101430878-G-A. GRCh37 (hg19) VCF-style: chr9-104193160-G-A.
Other names: R3*; c.10C>T, p.Arg4Ter (LRG_1244t1); short protein forms R4*.
Identifiers: ClinVar variation 471 (VCV000000471.18), dbSNP rs118204428, ClinGen allele CA114310.